The following is an entry in ClinVar:

NM_001673.5(ASNS):c.625dup (p.Asp209fs)

Genes: ASNS (asparagine synthetase (glutamine-hydrolyzing); minus strand), CZ1P-ASNS (CZ1P-ASNS readthrough; minus strand). Cytogenetic location: 7q21.3.
Variant type: Duplication.
Coding change: c.625dup on transcript NM_001673.5 (MANE Select); coding-DNA position 625, one base duplicated (G; older notation c.625dupG).
Protein change: p.Asp209fs; shifts the reading frame from aspartic acid 209.
Molecular consequence: frameshift variant. On other transcripts: non-coding transcript variant (1).
Genome position (GRCh38, 1-based): chr7:97,859,261, C duplicated on the plus strand (G on the coding strand, the reverse complement: ASNS is on the minus strand); the first of 3 consecutive C bases (chr7:97,859,261-97,859,263); duplicating any one gives the same sequence. VCF-style (leftmost placement, unchanged base first): chr7-97859260-T-TC. GRCh37 (hg19) VCF-style: chr7-97488572-T-TC.
Other names: c.562dup, p.Asp188fs (NM_001178075.2); c.376dup, p.Asp126fs (NM_001178076.2, NM_001178077.1); c.625dup, p.Asp209fs (NM_001352496.2, NM_133436.3, NM_183356.4); short protein forms D126fs, D188fs, D209fs.
Identifiers: ClinVar variation 5012322 (VCV005012322.1).
Genomic context (GRCh38, chr7:97,859,260, plus strand): 5'-GGGTGTCTGCTACCTGGAAAGAGTTTCTCCACATTGTCATAGAGGGCGTGCAGGGGTACA[T>TC]CCCGACAGTGATGATATTTAACCATTTCCACGGATGCAACTTTGCCATTTGGCTTTAAAT-3'

ClinVar aggregate classification (germline): Pathogenic (1 of 4 stars; one submission).

Conditions:
Congenital microcephaly - severe encephalopathy - progressive cerebral atrophy syndrome. Also called: ASNS DEFICIENCY; Asparagine synthetase deficiency. Identifiers: Orphanet 391376, MedGen C3809971, MONDO:0014258, OMIM 615574.

Submission:

Myriad Genetics, Inc.
Classification: Pathogenic for Congenital microcephaly - severe encephalopathy - progressive cerebral atrophy syndrome. Last evaluated: 2023-09-27. Review status: criteria provided, single submitter. Criteria: Myriad Autosomal Dominant, Autosomal Recessive and X-Linked Classification Criteria (2023). Collection method: clinical testing. Allele origin: unknown.
Comment: NM_001673.4(ASNS):c.625dupG(D209Gfs*9) is expected to be pathogenic in the context of asparagine synthetase deficiency. This variant is predicted to lead to an abnormal or absent protein product due to the creation of a premature termination codon in ASNS, a gene where loss-of-function variants are known to be pathogenic. Please note: this variant was assessed in the context of healthy population screening.